The following is an entry in ClinVar:

ClinVar aggregate classification (germline): Likely benign. Review status: criteria provided, single submitter (1 of 4 stars). 2 submissions from 2 submitters: Likely benign (1). 1 of the submissions does not count toward it. Last evaluated 2022-07-27.

Conditions:
Inborn genetic diseases. Identifiers: MedGen C0950123, MeSH D030342.
CHAMP1-related disorder. Also called: CHAMP1-related condition.

Allele frequency attached by ClinVar (database versions not stated): TOPMed 0.00001.
gnomAD v4.1: 76 of 1,613,998 alleles (0.0047%); highest among the groups gnomAD compares: South Asian, 0.018%; no homozygotes.

Submissions (2):

Ambry Genetics
Classification: Likely benign for Inborn genetic diseases. Last evaluated: 2022-07-27. Review status: criteria provided, single submitter. Criteria: Ambry Variant Classification Scheme 2023. Collection method: clinical testing. Allele origin: germline.

PreventionGenetics, part of Exact Sciences
Classification: Uncertain significance for CHAMP1-related condition. Last evaluated: 2024-08-17. Review status: no assertion criteria provided. Collection method: clinical testing. Allele origin: germline. Not counted in ClinVar's aggregate classification.
Comment: The CHAMP1 c.1418G>A variant is predicted to result in the amino acid substitution p.Arg473His. To our knowledge, this variant has not been reported in the literature. This variant is reported in 0.013% of alleles in individuals of South Asian descent in gnomAD. Although we suspect that this variant may be benign, at this time, the clinical significance of this variant is uncertain due to the absence of conclusive functional and genetic evidence.

NM_032436.4(CHAMP1):c.1418G>A (p.Arg473His)

Gene: CHAMP1 (chromosome alignment maintaining phosphoprotein 1; plus strand). Cytogenetic location: 13q34.
Variant type: single nucleotide variant.
Coding change: c.1418G>A on transcript NM_032436.4 (MANE Select); coding-DNA position 1418, G replaced by A.
Protein change: p.Arg473His; replaces arginine 473 with histidine.
Molecular consequence: missense variant.
Genome position (GRCh38, 1-based): chr13:114,325,260, G>A. VCF-style: chr13-114325260-G-A. GRCh37 (hg19) VCF-style: chr13-115090735-G-A.
Other names: c.1418G>A, p.Arg473His (NM_001164144.3, NM_001164145.3); c.1418G>A (NM_001164145.2); short protein forms R473H.
Identifiers: ClinVar variation 2303775 (VCV002303775.3), dbSNP rs548630533, ClinGen allele CA7070808.